The following is an entry in ClinVar:

NM_001009944.3(PKD1):c.9460C>G (p.Leu3154Val)

Gene: PKD1 (polycystin 1, transient receptor potential channel interacting; minus strand). Cytogenetic location: 16p13.3.
Variant type: single nucleotide variant.
Coding change: c.9460C>G on transcript NM_001009944.3 (MANE Select); coding-DNA position 9460, C replaced by G.
Protein change: p.Leu3154Val; replaces leucine 3154 with valine.
Molecular consequence: missense variant.
Genome position (GRCh38, 1-based): chr16:2,100,504, G>C on the plus strand (C>G on the coding strand, the complement: PKD1 is on the minus strand). VCF-style: chr16-2100504-G-C. GRCh37 (hg19) VCF-style: chr16-2150505-G-C.
Other names: c.9460C>G, p.Leu3154Val (NM_000296.4); short protein forms L3154V.
Identifiers: ClinVar variation 3382283 (VCV003382283.2).

ClinVar aggregate classification (germline): Uncertain significance (1 of 4 stars; one submission).

Conditions:
Polycystic kidney disease, adult type (PKD1). Also called: POLYCYSTIC KIDNEY DISEASE, ADULT, TYPE I; Polycystic Kidney Disease 1, Autosomal Dominant; Polycystic kidney disease 1; Polycystic kidney disease 1, severe; Polycystic Kidney, Autosomal Dominant; POLYCYSTIC KIDNEY DISEASE 1 WITH OR WITHOUT POLYCYSTIC LIVER DISEASE. Identifiers: MedGen C3149841, MONDO:0008263, OMIM 173900.

Submission:

Juno Genomics, Hangzhou Juno Genomics, Inc
Classification: Uncertain significance for Polycystic kidney disease, adult type. Review status: criteria provided, single submitter. Criteria: ACMG Guidelines, 2015. Collection method: clinical testing. Allele origin: germline. Affected: yes.
Comment: Absent from controls (or at extremely low frequency if recessive) in Genome Aggregation Database, Exome Sequencing Project, 1000 Genomes Project, or Exome Aggregation Consortium.;Patient's phenotype or family history is highly specific for a disease with a single genetic etiology.